The following is an entry in ClinVar:

ClinVar aggregate classification (germline): Conflicting classifications of pathogenicity. Review status: criteria provided, conflicting classifications (1 of 4 stars). 5 submissions from 5 submitters: Uncertain significance (3); Likely benign (1). 1 of the submissions does not count toward it. Last evaluated 2026-07-13.

Conditions:
Dihydropyrimidine dehydrogenase deficiency (DPYDD). Also called: Hereditary Thymine-Uraciluria; DPD DEFICIENCY; DPYD DEFICIENCY. Identifiers: Orphanet 1675, MedGen C1959620, MONDO:0010130, OMIM 274270.

Allele frequency attached by ClinVar (database versions not stated): 1000 Genomes Project 0.00100; gnomAD 0.00032; TOPMed 0.00068; 1000 Genomes Project 30x 0.00125; ESP Exome Variant Server 0.00108.
gnomAD v4.1: 169 of 1,612,792 alleles (0.01%); highest among the groups gnomAD compares: African/African-American, 0.2%; no homozygotes.

Submissions (5):

GeneDx
Classification: Uncertain significance. Last evaluated: 2026-07-13. Review status: criteria provided, single submitter. Criteria: GeneDx Variant Classification Process June 2021. Collection method: clinical testing. Allele origin: germline.
Comment: De novo variant in a patient with schizophrenia, however, it is unclear if this patient had variants identified in other genes, and additional research is needed to explore this possible association (PMID: 21822266); Published functional studies demonstrate no damaging effect (PMID: 24648345); In silico analysis supports that this missense variant has a deleterious effect on protein structure/function; This variant is associated with the following publications: (PMID: 23042115, 21822266, 24648345, 33361878)

Revvity Omics, Revvity
Classification: Uncertain significance for Dihydropyrimidine dehydrogenase deficiency. Last evaluated: 2022-02-04. Review status: criteria provided, single submitter. Criteria: ACMG Guidelines, 2015. Collection method: clinical testing. Allele origin: germline.

Women's Health and Genetics/Laboratory Corporation of America, LabCorp
Classification: Likely benign. Last evaluated: 2021-02-22. Review status: criteria provided, single submitter. Criteria: LabCorp Variant Classification Summary - May 2015. Collection method: clinical testing. Allele origin: germline.
Comment: Variant summary: DPYD c.1615G>A (p.Gly539Arg) results in a non-conservative amino acid change located in the Dihydroorotate dehydrogenase domain (IPR005720) of the encoded protein sequence. Five of five in-silico tools predict a damaging effect of the variant on protein function. The variant allele was found at a frequency of 0.00019 in 250540 control chromosomes, predominantly at a frequency of 0.0026 within the African or African-American subpopulation in the gnomAD database. This frequency is not significantly higher than expected for a pathogenic variant in DPYD causing Dihydropyrimidine Dehydrogenase Deficiency (0.00019 vs 0.0025), allowing no conclusion about variant significance. To our knowledge, no occurrence of c.1615G>A in individuals affected with Dihydropyrimidine Dehydrogenase Deficiency has been reported. At least one publication reports experimental evidence evaluating an impact on protein function. These results showed no damaging effect of this variant on DPYD enzyme activity in vitro (example, Offer_2014). One clinical diagnostic laboratory has submitted clinical-significance assessments for this variant to ClinVar after 2014 without evidence for independent evaluation and classified the variant as uncertain significance. Based on the evidence outlined above, the variant was classified as likely benign.

Illumina Laboratory Services, Illumina
Classification: Uncertain significance for Dihydropyrimidine dehydrogenase deficiency. Last evaluated: 2017-04-28. Review status: criteria provided, single submitter. Criteria: ICSL Variant Classification Criteria 13 December 2019. Collection method: clinical testing. Allele origin: germline.
Comment: This variant was observed as part of a predisposition screen in an ostensibly healthy population. A literature search was performed for the gene, cDNA change, and amino acid change (where applicable). Publications were found based on this search. However, the evidence from the literature, in combination with allele frequency data from public databases where available, was not sufficient to rule this variant in or out of causing disease. Therefore, this variant is classified as a variant of unknown significance.

Diasio Lab,  Mayo Clinic
No classification provided. Review status: no classification provided. Collection method: not provided. Allele origin: unknown. Not counted in ClinVar's aggregate classification.

Literature cited by the submitters: PubMed 24648345 (cited by Women's Health and Genetics/Laboratory Corporation of America, LabCorp); PubMed 23042115 (cited by Illumina Laboratory Services, Illumina).

NM_000110.4(DPYD):c.1615G>A (p.Gly539Arg)

Gene: DPYD (dihydropyrimidine dehydrogenase; minus strand). Cytogenetic location: 1p21.3.
Variant type: single nucleotide variant.
Coding change: c.1615G>A on transcript NM_000110.4 (MANE Select); coding-DNA position 1615, G replaced by A.
Protein change: p.Gly539Arg; replaces glycine 539 with arginine.
Molecular consequence: missense variant.
Genome position (GRCh38, 1-based): chr1:97,515,851, C>T on the plus strand (G>A on the coding strand, the complement: DPYD is on the minus strand). VCF-style: chr1-97515851-C-T. GRCh37 (hg19) VCF-style: chr1-97981407-C-T.
Other names: short protein forms G539R.
Identifiers: ClinVar variation 100093 (VCV000100093.10), dbSNP rs142619737, ClinGen allele CA228121.